The following is an entry in ClinVar:

ClinVar aggregate classification (germline): Conflicting classifications of pathogenicity. Review status: criteria provided, conflicting classifications (1 of 4 stars). 2 submissions from 2 submitters: Uncertain significance (1); Likely benign (1). Last evaluated 2026-01-25.

Conditions:
Neuroblastoma, susceptibility to, 3. Also called: ALK-Related Neuroblastic Tumor Susceptibility. Identifiers: Orphanet 635, MedGen C2751681, MONDO:0013083, OMIM 613014.
Hereditary cancer-predisposing syndrome. Also called: Neoplastic Syndromes, Hereditary; Hereditary neoplastic syndrome; Tumor predisposition; Hereditary Cancer Syndrome. Identifiers: Orphanet 140162, MedGen C0027672, MeSH D009386, MONDO:0015356.

Allele frequency attached by ClinVar (database versions not stated): gnomAD exomes 0.00001; ExAC 0.00002.

Submissions (2):

Labcorp Genetics (formerly Invitae), Labcorp
Classification: Uncertain significance for Neuroblastoma, susceptibility to, 3. Last evaluated: 2026-01-25. Review status: criteria provided, single submitter. Criteria: Invitae Variant Classification Sherloc (09022015). Collection method: clinical testing. Allele origin: germline.
Comment: This sequence change replaces glycine, which is neutral and non-polar, with aspartic acid, which is acidic and polar, at codon 589 of the ALK protein (p.Gly589Asp). This variant is present in population databases (rs769505453, gnomAD 0.003%). This variant has not been reported in the literature in individuals affected with ALK-related conditions. ClinVar contains an entry for this variant (Variation ID: 569275). An algorithm developed to predict the effect of missense changes on protein structure and function (PolyPhen-2) suggests that this variant is likely to be disruptive. In summary, the available evidence is currently insufficient to determine the role of this variant in disease. Therefore, it has been classified as a Variant of Uncertain Significance.

Ambry Genetics
Classification: Likely benign for Hereditary cancer-predisposing syndrome. Last evaluated: 2025-12-30. Review status: criteria provided, single submitter. Criteria: Ambry Variant Classification Scheme 2023. Collection method: clinical testing. Allele origin: germline.

NM_004304.5(ALK):c.1766G>A (p.Gly589Asp)

Gene: ALK (ALK receptor tyrosine kinase; minus strand). Cytogenetic location: 2p23.2.
Variant type: single nucleotide variant.
Coding change: c.1766G>A on transcript NM_004304.5 (MANE Select); coding-DNA position 1766, G replaced by A.
Protein change: p.Gly589Asp; replaces glycine 589 with aspartic acid.
Molecular consequence: missense variant.
Genome position (GRCh38, 1-based): chr2:29,296,939, C>T on the plus strand (G>A on the coding strand, the complement: ALK is on the minus strand). VCF-style: chr2-29296939-C-T. GRCh37 (hg19) VCF-style: chr2-29519805-C-T.
Other names: short protein forms G589D.
Identifiers: ClinVar variation 569275 (VCV000569275.7), dbSNP rs769505453, ClinGen allele CA1594540.